The following is an entry in ClinVar:

ClinVar aggregate classification (germline): Benign/Likely benign. Review status: criteria provided, multiple submitters, no conflicts (2 of 4 stars). 8 submissions from 8 submitters: Benign (1); Likely benign (7). Last evaluated 2025-05-19.

Conditions:
Hereditary nonpolyposis colorectal neoplasms. Identifiers: MedGen C0009405, MeSH D003123.
Lynch syndrome 5 (LYNCH5). Also called: Colorectal cancer, hereditary nonpolyposis, type 5; Hereditary non-polyposis colorectal cancer, type 5. Identifiers: Orphanet 144, MedGen C1833477, MONDO:0013710, OMIM 614350. Disease mechanism: loss of function.
Hereditary cancer-predisposing syndrome. Also called: Tumor predisposition; Hereditary neoplastic syndrome; Neoplastic Syndromes, Hereditary; Hereditary Cancer Syndrome. Identifiers: Orphanet 140162, MedGen C0027672, MeSH D009386, MONDO:0015356.
Lynch syndrome. Identifiers: Orphanet 144, MedGen C4552100, MONDO:0005835. Disease mechanism: loss of function.

Allele frequency attached by ClinVar (database versions not stated): gnomAD exomes below 0.00001; gnomAD 0.00001.
gnomAD v4.1: 4 of 1,614,154 alleles (0.00025%); highest among the groups gnomAD compares: Middle Eastern, 0.033%; no homozygotes.

Submissions (8):

Labcorp Genetics (formerly Invitae), Labcorp
Classification: Likely benign for Hereditary nonpolyposis colorectal neoplasms. Last evaluated: 2025-05-19. Review status: criteria provided, single submitter. Criteria: Invitae Variant Classification Sherloc (09022015). Collection method: clinical testing. Allele origin: germline.

Quest Diagnostics Nichols Institute San Juan Capistrano
Classification: Likely benign. Last evaluated: 2025-02-21. Review status: criteria provided, single submitter. Criteria: Quest Diagnostics criteria. Collection method: clinical testing. Allele origin: unknown.

Myriad Genetics, Inc.
Classification: Benign for Lynch syndrome 5. Last evaluated: 2024-12-18. Review status: criteria provided, single submitter. Criteria: Myriad Autosomal Dominant, Autosomal Recessive and X-Linked Classification Criteria (2023). Collection method: clinical testing. Allele origin: unknown.
Comment: This variant is considered benign. This variant is a silent/synonymous amino acid change and it is not expected to impact splicing.

Ambry Genetics
Classification: Likely benign for Hereditary cancer-predisposing syndrome. Last evaluated: 2023-12-18. Review status: criteria provided, single submitter. Criteria: Ambry Variant Classification Scheme 2023. Collection method: clinical testing. Allele origin: germline.

All of Us Research Program, National Institutes of Health
Classification: Likely benign for Lynch syndrome. Last evaluated: 2023-02-24. Review status: criteria provided, single submitter. Criteria: ACMG Guidelines, 2015. Collection method: clinical testing. Allele origin: germline. Inheritance: Autosomal dominant inheritance. Observed: 1 variant allele, 1 heterozygote.
Comment: This study involves interpretation of variants in research participants for the purpose of population health screening. Participant phenotype was not available at the time of variant classification. Additional details can be found in publication PMID: 35346344, PMCID: PMC8962531

Blueprint Genetics
Classification: Likely benign. Last evaluated: 2021-02-16. Review status: criteria provided, single submitter. Criteria: ACMG Guidelines, 2015. Collection method: clinical testing. Allele origin: germline.

Color Diagnostics, LLC DBA Color Health
Classification: Likely benign for Hereditary cancer-predisposing syndrome. Last evaluated: 2018-03-07. Review status: criteria provided, single submitter. Criteria: ACMG Guidelines, 2015. Collection method: clinical testing. Allele origin: germline.

Breakthrough Genomics
Classification: Likely benign. Review status: criteria provided, single submitter. Criteria: ACMG Guidelines, 2015. Collection method: not provided. Allele origin: germline. Inheritance: Autosomal recessive inheritance. Affected: yes.

NM_000179.3(MSH6):c.444A>G (p.Leu148=)

Gene: MSH6 (mutS homolog 6; plus strand). Cytogenetic location: 2p16.3.
Variant type: single nucleotide variant.
Coding change: c.444A>G on transcript NM_000179.3 (MANE Select); coding-DNA position 444, A replaced by G.
Protein change: p.Leu148=; no amino-acid change (leucine 148 retained).
Molecular consequence: synonymous variant. On other transcripts: 5 prime UTR variant (2), intron variant (1).
Genome position (GRCh38, 1-based): chr2:47,791,110, A>G. VCF-style: chr2-47791110-A-G. GRCh37 (hg19) VCF-style: chr2-48018249-A-G.
Other names: c.-293A>G (NM_001281493.2); c.-459A>G (NM_001281494.2); c.238-7501A>G (NM_001281492.2).
Identifiers: ClinVar variation 757610 (VCV000757610.19), dbSNP rs868629668, ClinGen allele CA46697387.
Genomic context (GRCh38, chr2:47,791,110, plus strand): 5'-TGTTCATGTACAGTTTTTTGATGACAGCCCAACAAGGGGCTGGGTTAGCAAAAGGCTTTT[A>G]AAGCCATATACAGGTAAGAGTCACTACTGCCATGTGTGTGTGTTTGTGTGTGTGTGTGTG-3'
Protein context (NP_000170.1, residues 138-158): PTRGWVSKRL[Leu148=]KPYTGSKSKE